The following is an entry in ClinVar:

ClinVar aggregate classification (germline): Likely benign. Review status: criteria provided, multiple submitters, no conflicts (2 of 4 stars). 2 submissions from 2 submitters: Likely benign (2). Last evaluated 2024-12-12.

Allele frequency attached by ClinVar (database versions not stated): gnomAD exomes 0.00001 and 0.00004; TOPMed 0.00001; ExAC 0.00004.
gnomAD v4.1: 18 of 1,551,694 alleles (0.0012%); highest among the groups gnomAD compares: African/African-American, 0.0055%; no homozygotes.

Submissions (2):

Labcorp Genetics (formerly Invitae), Labcorp
Classification: Likely benign. Last evaluated: 2024-12-12. Review status: criteria provided, single submitter. Criteria: Invitae Variant Classification Sherloc (09022015). Collection method: clinical testing. Allele origin: germline.

Laboratory for Molecular Medicine, Mass General Brigham Personalized Medicine
Classification: Likely benign. Last evaluated: 2016-08-04. Review status: criteria provided, single submitter. Criteria: LMM Criteria. Collection method: clinical testing. Allele origin: germline. Observed: 1 variant allele.
Comment: p.Gly309Gly in exon 8 of LOXHD1: This variant is not expected to have clinical s ignificance because it does not alter an amino acid residue and is not located w ithin the splice consensus sequence. It has been identified in 1/22274 European chromosomes by the Exome Aggregation Consortium (ExAC; dbSNP rs749677224).

NM_001384474.1(LOXHD1):c.927G>T (p.Gly309=)

Gene: LOXHD1 (lipoxygenase homology PLAT domains 1; minus strand). Cytogenetic location: 18q21.1.
Variant type: single nucleotide variant.
Coding change: c.927G>T on transcript NM_001384474.1 (MANE Select); coding-DNA position 927, G replaced by T.
Protein change: p.Gly309=; no amino-acid change (glycine 309 retained).
Molecular consequence: synonymous variant.
Genome position (GRCh38, 1-based): chr18:46,601,424, C>A on the plus strand (G>T on the coding strand, the complement: LOXHD1 is on the minus strand). VCF-style: chr18-46601424-C-A. GRCh37 (hg19) VCF-style: chr18-44181387-C-A.
Other names: c.927G>T, p.Gly309= (NM_144612.7).
Identifiers: ClinVar variation 505262 (VCV000505262.12), dbSNP rs749677224, ClinGen allele CA8952857.